The following is an entry in ClinVar:

NM_020207.7(ERCC6L2):c.1324A>G (p.Lys442Glu)

Gene: ERCC6L2 (ERCC excision repair 6 like 2; plus strand). Cytogenetic location: 9q22.32.
Variant type: single nucleotide variant.
Coding change: c.1324A>G on transcript NM_020207.7 (MANE Select); coding-DNA position 1324, A replaced by G.
Protein change: p.Lys442Glu; replaces lysine 442 with glutamic acid.
Molecular consequence: missense variant. On other transcripts: non-coding transcript variant (1).
Genome position (GRCh38, 1-based): chr9:95,922,329, A>G. VCF-style: chr9-95922329-A-G. GRCh37 (hg19) VCF-style: chr9-98684611-A-G.
Other names: c.1324A>G, p.Lys442Glu (NM_001010895.4, NM_001375291.1, NM_001375292.1 and 2 more transcripts); short protein forms K442E.
Identifiers: ClinVar variation 3845824 (VCV003845824.1).

ClinVar aggregate classification (germline): Uncertain significance (1 of 4 stars; one submission).

Conditions:
Inborn genetic diseases. Identifiers: MedGen C0950123, MeSH D030342.

Submission:

Ambry Genetics
Classification: Uncertain significance for Inborn genetic diseases. Last evaluated: 2024-12-22. Review status: criteria provided, single submitter. Criteria: Ambry Variant Classification Scheme 2023. Collection method: clinical testing. Allele origin: germline.
Comment: The p.K442E variant (also known as c.1324A>G), located in coding exon 8 of the ERCC6L2 gene, results from an A to G substitution at nucleotide position 1324. The lysine at codon 442 is replaced by glutamic acid, an amino acid with similar properties. This amino acid position is conserved. In addition, this alteration is predicted to be tolerated by in silico analysis. Based on the available evidence, the clinical significance of this variant remains unclear.